The following is an entry in ClinVar:

ClinVar aggregate classification (germline): Uncertain significance (1 of 4 stars; one submission).

Allele frequency attached by ClinVar (database versions not stated): TOPMed 0.00023; gnomAD 0.00024; ESP Exome Variant Server 0.00038; gnomAD exomes 0.00064; ExAC 0.00020.
gnomAD v4.1: 939 of 1,610,020 alleles (0.058%); highest among the groups gnomAD compares: Non-Finnish European, 0.077%; 2 homozygotes.

Submission:

Labcorp Genetics (formerly Invitae), Labcorp
Classification: Uncertain significance. Last evaluated: 2022-08-15. Review status: criteria provided, single submitter. Criteria: Invitae Variant Classification Sherloc (09022015). Collection method: clinical testing. Allele origin: germline.
Comment: This variant is present in population databases (rs146925617, gnomAD 0.04%). This variant has not been reported in the literature in individuals affected with APOL1-related conditions. Algorithms developed to predict the effect of missense changes on protein structure and function (SIFT, PolyPhen-2, Align-GVGD) all suggest that this variant is likely to be tolerated. In summary, the available evidence is currently insufficient to determine the role of this variant in disease. Therefore, it has been classified as a Variant of Uncertain Significance. This sequence change replaces glycine, which is neutral and non-polar, with arginine, which is basic and polar, at codon 231 of the APOL1 protein (p.Gly231Arg).

NM_003661.4(APOL1):c.691G>A (p.Gly231Arg)

Gene: APOL1 (apolipoprotein L1; plus strand). Cytogenetic location: 22q12.3.
Variant type: single nucleotide variant.
Coding change: c.691G>A on transcript NM_003661.4 (MANE Select); coding-DNA position 691, G replaced by A.
Protein change: p.Gly231Arg; replaces glycine 231 with arginine.
Molecular consequence: missense variant.
Genome position (GRCh38, 1-based): chr22:36,265,527, G>A. VCF-style: chr22-36265527-G-A. GRCh37 (hg19) VCF-style: chr22-36661573-G-A.
Other names: c.691G>A, p.Gly231Arg (NM_001136540.2); c.637G>A, p.Gly213Arg (NM_001136541.2, NM_001362927.2); c.739G>A, p.Gly247Arg (NM_145343.3); short protein forms G231R, G213R, G247R.
Identifiers: ClinVar variation 2066736 (VCV002066736.4), dbSNP rs146925617, ClinGen allele CA10208736.